The following is an entry in ClinVar:

NM_024675.4(PALB2):c.398G>C (p.Ser133Thr)

Gene: PALB2 (partner and localizer of BRCA2; minus strand). Cytogenetic location: 16p12.2.
Variant type: single nucleotide variant.
Coding change: c.398G>C on transcript NM_024675.4 (MANE Select); coding-DNA position 398, G replaced by C.
Protein change: p.Ser133Thr; replaces serine 133 with threonine.
Molecular consequence: missense variant.
Genome position (GRCh38, 1-based): chr16:23,636,148, C>G on the plus strand (G>C on the coding strand, the complement: PALB2 is on the minus strand). VCF-style: chr16-23636148-C-G. GRCh37 (hg19) VCF-style: chr16-23647469-C-G.
Other names: short protein forms S133T.
Identifiers: ClinVar variation 837352 (VCV000837352.16), dbSNP rs864622411, ClinGen allele CA395137415.

ClinVar aggregate classification (germline): Conflicting classifications of pathogenicity. Review status: criteria provided, conflicting classifications (1 of 4 stars). 4 submissions from 4 submitters: Uncertain significance (1); Likely benign (2). 1 of the submissions does not count toward it. Last evaluated 2023-01-25.

Conditions:
Chordoma. Identifiers: Orphanet 178, MedGen C0008487, MONDO:0008978, HP:0010762.
Familial cancer of breast. Also called: Hereditary breast cancer; hereditary breast carcinoma; BREAST CANCER, FAMILIAL. Identifiers: Orphanet 227535, MedGen C0346153, MONDO:0016419, OMIM 114480. Disease mechanism: loss of function.
Hereditary cancer-predisposing syndrome. Also called: Neoplastic Syndromes, Hereditary; Tumor predisposition; Hereditary neoplastic syndrome; Hereditary Cancer Syndrome. Identifiers: Orphanet 140162, MedGen C0027672, MeSH D009386, MONDO:0015356.

Submissions (4):

Labcorp Genetics (formerly Invitae), Labcorp
Classification: Uncertain significance for Familial cancer of breast. Last evaluated: 2023-01-25. Review status: criteria provided, single submitter. Criteria: Invitae Variant Classification Sherloc (09022015). Collection method: clinical testing. Allele origin: germline.
Comment: This variant has not been reported in the literature in individuals affected with PALB2-related conditions. This variant is not present in population databases (gnomAD no frequency). This sequence change replaces serine, which is neutral and polar, with threonine, which is neutral and polar, at codon 133 of the PALB2 protein (p.Ser133Thr). ClinVar contains an entry for this variant (Variation ID: 837352). In summary, the available evidence is currently insufficient to determine the role of this variant in disease. Therefore, it has been classified as a Variant of Uncertain Significance. Experimental studies are conflicting or provide insufficient evidence to determine the effect of this variant on PALB2 function (PMID: 31636395, 35762214). Algorithms developed to predict the effect of missense changes on protein structure and function output the following: SIFT: "Deleterious"; PolyPhen-2: "Benign"; Align-GVGD: "Class C0". The threonine amino acid residue is found in multiple mammalian species, which suggests that this missense change does not adversely affect protein function.

Ambry Genetics
Classification: Likely benign for Hereditary cancer-predisposing syndrome. Last evaluated: 2022-04-29. Review status: criteria provided, single submitter. Criteria: Ambry Variant Classification Scheme 2023. Collection method: clinical testing. Allele origin: germline.

Color Diagnostics, LLC DBA Color Health
Classification: Likely benign for Hereditary cancer-predisposing syndrome. Last evaluated: 2016-01-07. Review status: criteria provided, single submitter. Criteria: ACMG Guidelines, 2015. Collection method: clinical testing. Allele origin: germline.

Integrative Tumor Epidemiology Branch, National Institutes of Health
Classification: Uncertain significance for Chordoma. Last evaluated: 2021-03-22. Review status: no assertion criteria provided. Collection method: research. Allele origin: germline. Affected: yes. Observed: 1 variant allele. Not counted in ClinVar's aggregate classification.
Comment: Modestly reduce HRR activity

Literature cited by the submitters: PubMed 31636395 (cited by Labcorp Genetics (formerly Invitae), Labcorp and Ambry Genetics); PubMed 35762214 (cited by Labcorp Genetics (formerly Invitae), Labcorp).